The following is an entry in ClinVar:

NM_001148.6(ANK2):c.3506dup (p.Val1170fs)

Gene: ANK2 (ankyrin 2; plus strand). Cytogenetic location: 4q26.
Variant type: Duplication.
Coding change: c.3506dup on transcript NM_001148.6 (MANE Select); coding-DNA position 3506, one base duplicated (G; older notation c.3506dupG).
Protein change: p.Val1170fs; shifts the reading frame from valine 1170.
Molecular consequence: frameshift variant. On other transcripts: 5 prime UTR variant (2).
Genome position (GRCh38, 1-based): chr4:113,335,972, G duplicated; the last of 2 consecutive G bases (chr4:113,335,971-113,335,972); duplicating either gives the same sequence. VCF-style (leftmost placement, unchanged base first): chr4-113335970-A-AG. GRCh37 (hg19) VCF-style: chr4-114257126-A-AG.
Other names: c.3479dup, p.Val1161fs (NM_001127493.3); c.3518dup, p.Val1174fs (NM_001354225.2); c.3407dup, p.Val1137fs (NM_001354228.2, NM_001354258.2); c.3485dup, p.Val1163fs (NM_001354230.2); c.3548dup, p.Val1184fs (NM_001354231.2, NM_001354242.2); c.3542dup, p.Val1182fs (NM_001354232.2); c.3503dup, p.Val1169fs (NM_001354235.2, NM_001354246.2, NM_001354265.2); c.3404dup, p.Val1136fs (NM_001354236.2); and 31 more; short protein forms V1070fs, V1083fs, V1103fs, V1148fs, V1163fs, V1170fs, V1174fs, V353fs.
Identifiers: ClinVar variation 421085 (VCV000421085.2), dbSNP rs1064794900, ClinGen allele CA16618027.

ClinVar aggregate classification (germline): Uncertain significance (1 of 4 stars; one submission).

Submission:

GeneDx
Classification: Uncertain significance. Last evaluated: 2016-04-28. Review status: criteria provided, single submitter. Criteria: GeneDx Variant Classification (06012015). Collection method: clinical testing. Allele origin: germline. Affected: yes.
Comment: The c.3506dupG variant in the ANK2 gene has not been reported previously as a pathogenic variant nor as a benign variant, to our knowledge. The c.3506dupG variant causes a frameshift starting with codon Valine 1170, changes this amino acid to a Cysteine residue, and creates a premature Stop codon at position 35 of the new reading frame, denoted p.Val1170CysfsX35. This variant is predicted to cause loss of normal protein function either through protein truncation or nonsense-mediated mRNA decay. The c.3506dupG variant was not observed in approximately 6500 individuals of European and African American ancestry in the NHLBI Exome Sequencing Project, indicating it is not a common benign variant in these populations. We interpret c.3506dupG as a variant of uncertain significance